The following is an entry in ClinVar:

NM_014867.3(KBTBD11):c.562C>A (p.Leu188Ile)

Gene: KBTBD11 (kelch repeat and BTB domain containing 11; plus strand). Cytogenetic location: 8p23.3.
Variant type: single nucleotide variant.
Coding change: c.562C>A on transcript NM_014867.3 (MANE Select); coding-DNA position 562, C replaced by A.
Protein change: p.Leu188Ile; replaces leucine 188 with isoleucine.
Molecular consequence: missense variant.
Genome position (GRCh38, 1-based): chr8:2,001,754, C>A. VCF-style: chr8-2001754-C-A. GRCh37 (hg19) VCF-style: chr8-1949920-C-A.
Other names: short protein forms L188I.
Identifiers: ClinVar variation 4858602 (VCV004858602.1).

ClinVar aggregate classification (germline): Uncertain significance (1 of 4 stars; one submission).

Submission:

Ambry Genetics
Classification: Uncertain significance. Last evaluated: 2026-04-30. Review status: criteria provided, single submitter. Criteria: Ambry Variant Classification Scheme 2023. Collection method: clinical testing. Allele origin: germline.
Comment: The c.562C>A (p.L188I) alteration is located in exon 2 (coding exon 1) of the KBTBD11 gene. This alteration results from a C to A substitution at nucleotide position 562, causing the leucine (L) at amino acid position 188 to be replaced by an isoleucine (I). Based on data from gnomAD, the A allele has an overall frequency of <0.001% (0/22968) total alleles studied. The highest observed frequency was <0.001% (/) of alleles. Based on insufficient or conflicting evidence, the clinical significance of this alteration remains unclear.